The following is an entry in ClinVar:

NM_152383.5(DIS3L2):c.2018T>C (p.Leu673Pro)

Gene: DIS3L2 (DIS3 like 3'-5' exoribonuclease 2; plus strand). Cytogenetic location: 2q37.1.
Variant type: single nucleotide variant.
Coding change: c.2018T>C on transcript NM_152383.5 (MANE Select); coding-DNA position 2018, T replaced by C.
Protein change: p.Leu673Pro; replaces leucine 673 with proline.
Molecular consequence: missense variant. On other transcripts: non-coding transcript variant (2), intron variant (1).
Genome position (GRCh38, 1-based): chr2:232,333,847, T>C. VCF-style: chr2-232333847-T-C. GRCh37 (hg19) VCF-style: chr2-233198557-T-C.
Other names: c.1582-9498T>C (NM_001257281.2); short protein forms L673P.
Identifiers: ClinVar variation 1025660 (VCV001025660.8), dbSNP rs1695846620, ClinGen allele CA350977306.
Genomic context (GRCh38, chr2:232,333,847, plus strand): 5'-GCCTGGCTGGGCAGCTCTGGGCTTGTCAGGCTCTGACCCATCCCGTCCCGCAGATGGCAC[T>C]GTACTTCTGCTCGGGGCTGCTGCAGGACCCAGCGCAGTTCCGGCACTACGCGCTCAATGT-3'
Protein context (NP_689596.4, residues 663-683): NMCSRPMQMA[Leu673Pro]YFCSGLLQDP

ClinVar aggregate classification (germline): Uncertain significance (1 of 4 stars; one submission).

Conditions:
Perlman syndrome (PRLMNS). Identifiers: Orphanet 2849, MedGen C0796113, MONDO:0009965, OMIM 267000.

Allele frequency attached by ClinVar (database versions not stated): gnomAD exomes 0.00001.
gnomAD v4.1: 9 of 1,611,298 alleles (0.00056%); highest among the groups gnomAD compares: Non-Finnish European, 0.00076%; no homozygotes.

Submission:

Labcorp Genetics (formerly Invitae), Labcorp
Classification: Uncertain significance for Perlman syndrome. Last evaluated: 2022-06-20. Review status: criteria provided, single submitter. Criteria: Invitae Variant Classification Sherloc (09022015). Collection method: clinical testing. Allele origin: germline.
Comment: ClinVar contains an entry for this variant (Variation ID: 1025660). This variant has not been reported in the literature in individuals affected with DIS3L2-related conditions. This variant is not present in population databases (gnomAD no frequency). This sequence change replaces leucine, which is neutral and non-polar, with proline, which is neutral and non-polar, at codon 673 of the DIS3L2 protein (p.Leu673Pro). In summary, the available evidence is currently insufficient to determine the role of this variant in disease. Therefore, it has been classified as a Variant of Uncertain Significance. Algorithms developed to predict the effect of missense changes on protein structure and function are either unavailable or do not agree on the potential impact of this missense change (SIFT: "Tolerated"; PolyPhen-2: "Probably Damaging"; Align-GVGD: "Class C0").